The following is an entry in ClinVar:

ClinVar aggregate classification (germline): Uncertain significance (1 of 4 stars; one submission).

Conditions:
Catecholaminergic polymorphic ventricular tachycardia (CVPT). Also called: Catecholamine-induced polymorphic ventricular tachycardia. Identifiers: Orphanet 3286, MedGen C5574922, MONDO:0017990.

gnomAD v4.1: 1 of 1,614,036 alleles (0.000062%); highest among the groups gnomAD compares: Non-Finnish European, 0.000085%; no homozygotes.

Submission:

All of Us Research Program, National Institutes of Health
Classification: Uncertain significance for Catecholaminergic polymorphic ventricular tachycardia. Last evaluated: 2023-06-08. Review status: criteria provided, single submitter. Criteria: ACMG Guidelines, 2015. Collection method: clinical testing. Allele origin: germline. Inheritance: Autosomal dominant inheritance. Observed: 1 variant allele, 1 heterozygote.
Comment: This variant is located in the RYR2 protein. To our knowledge, functional studies have not been reported for this variant. This variant has not been reported in individuals affected with RYR2-related disorders in the literature. This variant has not been identified in the general population by the Genome Aggregation Database (gnomAD). The available evidence is insufficient to determine the role of this variant in disease conclusively. Therefore, this variant is classified as a Variant of Uncertain Significance.

This study involves interpretation of variants in research participants for the purpose of population health screening. Participant phenotype was not available at the time of variant classification. Additional details can be found in publication PMID: 35346344, PMCID: PMC8962531

NM_001035.3(RYR2):c.5424C>T (p.Asp1808=)

Gene: RYR2 (ryanodine receptor 2; plus strand). Cytogenetic location: 1q43.
Variant type: single nucleotide variant.
Coding change: c.5424C>T on transcript NM_001035.3 (MANE Select); coding-DNA position 5424, C replaced by T.
Protein change: p.Asp1808=; no amino-acid change (aspartic acid 1808 retained).
Molecular consequence: synonymous variant.
Genome position (GRCh38, 1-based): chr1:237,614,552, C>T. VCF-style: chr1-237614552-C-T. GRCh37 (hg19) VCF-style: chr1-237777852-C-T.
Identifiers: ClinVar variation 3071541 (VCV003071541.1), dbSNP rs2546795391, ClinGen allele CA424031603.